The following is an entry in ClinVar:

ClinVar aggregate classification (germline): Pathogenic. Review status: criteria provided, multiple submitters, no conflicts (2 of 4 stars). 3 submissions from 3 submitters: Pathogenic (3). Last evaluated 2024-07-08.

Conditions:
Developmental and epileptic encephalopathy, 9 (DEE9). Also called: JUBERG-HELLMAN SYNDROME; PCDH19-Related X-Linked Female-Limited Epilepsy with Mental Retardation; EPILEPSY, FEMALE-RESTRICTED, WITH MENTAL RETARDATION; Early infantile epileptic encephalopathy 9. Identifiers: Orphanet 101039, Orphanet 2076, MedGen C1848137, MONDO:0010246, OMIM 300088. Disease mechanism: loss of function.

Submissions (3):

GeneDx
Classification: Pathogenic. Last evaluated: 2024-07-08. Review status: criteria provided, single submitter. Criteria: GeneDx Variant Classification Process June 2021. Collection method: clinical testing. Allele origin: germline. Affected: yes.
Comment: Nonsense variant predicted to result in protein truncation or nonsense mediated decay in a gene for which loss of function is a known mechanism of disease; Not observed at significant frequency in large population cohorts (gnomAD); This variant is associated with the following publications: (PMID: 30182498)

CeGaT Center for Human Genetics Tuebingen
Classification: Pathogenic. Last evaluated: 2024-02-01. Review status: criteria provided, single submitter. Criteria: CeGaT Center For Human Genetics Tuebingen Variant Classification Criteria Version 2. Collection method: clinical testing. Allele origin: germline. Affected: yes. Observed: 1 variant allele.
Comment: PCDH19: PVS1, PM2, PS4:Supporting

Labcorp Genetics (formerly Invitae), Labcorp
Classification: Pathogenic for Developmental and epileptic encephalopathy, 9. Last evaluated: 2021-09-01. Review status: criteria provided, single submitter. Criteria: Invitae Variant Classification Sherloc (09022015). Collection method: clinical testing. Allele origin: germline.

NM_001184880.2(PCDH19):c.2575C>T (p.Gln859Ter)

Genes: PCDH19 (protocadherin 19; minus strand), LOC125467768 (CDK7 strongly-dependent group 2 enhancer GRCh37_chrX:99657381-99658580; plus strand). Cytogenetic location: Xq22.1.
Variant type: single nucleotide variant.
Coding change: c.2575C>T on transcript NM_001184880.2 (MANE Select); coding-DNA position 2575, C replaced by T.
Protein change: p.Gln859Ter; replaces glutamine 859 with a stop codon.
Molecular consequence: nonsense.
Genome position (GRCh38, 1-based): chrX:100,402,565, G>A on the plus strand (C>T on the coding strand, the complement: PCDH19 is on the minus strand). VCF-style: chrX-100402565-G-A. GRCh37 (hg19) VCF-style: chrX-99657563-G-A.
Other names: c.2575C>T (NM_001184880.1); c.2434C>T, p.Gln812Ter (NM_001105243.2, NM_020766.3); short protein forms Q812*, Q859*.
Identifiers: ClinVar variation 1070779 (VCV001070779.27), dbSNP rs2147532974, ClinGen allele CA414005369.